The following is an entry in ClinVar:

ClinVar aggregate classification (germline): Uncertain significance. Review status: criteria provided, multiple submitters, no conflicts (2 of 4 stars). 2 submissions from 2 submitters: Uncertain significance (2). Last evaluated 2024-09-10.

Allele frequency attached by ClinVar (database versions not stated): gnomAD exomes below 0.00001; ExAC 0.00001; TOPMed 0.00006; gnomAD 0.00007; ESP Exome Variant Server 0.00016; 1000 Genomes Project 0.00020; 1000 Genomes Project 30x 0.00031.
gnomAD v4.1: 18 of 1,603,528 alleles (0.0011%); highest among the groups gnomAD compares: African/African-American, 0.021%; no homozygotes.

Submissions (2):

Ambry Genetics
Classification: Uncertain significance. Last evaluated: 2024-09-10. Review status: criteria provided, single submitter. Criteria: Ambry Variant Classification Scheme 2023. Collection method: clinical testing. Allele origin: germline.

Labcorp Genetics (formerly Invitae), Labcorp
Classification: Uncertain significance. Last evaluated: 2022-03-17. Review status: criteria provided, single submitter. Criteria: Invitae Variant Classification Sherloc (09022015). Collection method: clinical testing. Allele origin: germline.
Comment: This sequence change replaces alanine, which is neutral and non-polar, with threonine, which is neutral and polar, at codon 2326 of the CACNA1B protein (p.Ala2326Thr). This variant is present in population databases (rs369460375, gnomAD 0.03%). This variant has not been reported in the literature in individuals affected with CACNA1B-related conditions. Advanced modeling of protein sequence and biophysical properties (such as structural, functional, and spatial information, amino acid conservation, physicochemical variation, residue mobility, and thermodynamic stability) performed at Invitae indicates that this missense variant is not expected to disrupt CACNA1B protein function. In summary, the available evidence is currently insufficient to determine the role of this variant in disease. Therefore, it has been classified as a Variant of Uncertain Significance.

NM_000718.4(CACNA1B):c.6976G>A (p.Ala2326Thr)

Gene: CACNA1B (calcium voltage-gated channel subunit alpha1 B; plus strand). Cytogenetic location: 9q34.3.
Variant type: single nucleotide variant.
Coding change: c.6976G>A on transcript NM_000718.4 (MANE Select); coding-DNA position 6976, G replaced by A.
Protein change: p.Ala2326Thr; replaces alanine 2326 with threonine.
Molecular consequence: missense variant. On other transcripts: 3 prime UTR variant (1).
Genome position (GRCh38, 1-based): chr9:138,121,955, G>A. VCF-style: chr9-138121955-G-A. GRCh37 (hg19) VCF-style: chr9-141016407-G-A.
Other names: c.*75G>A (NM_001243812.2); c.6976G>A (NM_000718.3); short protein forms A2326T.
Identifiers: ClinVar variation 2188151 (VCV002188151.2), dbSNP rs369460375, ClinGen allele CA5377855.
Genomic context (GRCh38, chr9:138,121,955, plus strand): 5'-CCTCTCCGCCGCGTGCCCAACGGTTACCACTGCACCCTGGGACTCAGCTCGGGTGGCCGA[G>A]CACGGCACAGCTACCACCACCCTGACCAAGACCACTGGTGCTAGCTGCACCGTGACCGCT-3'
Protein context (NP_000709.1, residues 2316-2336): CTLGLSSGGR[Ala2326Thr]RHSYHHPDQD